The following is an entry in ClinVar:

ClinVar aggregate classification (germline): Likely benign. Review status: criteria provided, multiple submitters, no conflicts (2 of 4 stars). 5 submissions from 5 submitters: Likely benign (4). 1 of the submissions does not count toward it. Last evaluated 2025-12-14.

Conditions:
Hereditary nonpolyposis colorectal neoplasms. Identifiers: MedGen C0009405, MeSH D003123.
Lynch syndrome 4 (LYNCH4). Also called: Colorectal cancer, hereditary nonpolyposis, type 4; Hereditary non-polyposis colorectal cancer, type 4. Identifiers: Orphanet 144, MedGen C1838333, MONDO:0013699, OMIM 614337. Disease mechanism: loss of function.
Malignant tumor of breast. Also called: Malignant breast neoplasm; Cancer breast. Identifiers: MedGen C0006142, MONDO:0007254. Disease mechanism: loss of function.

Allele frequency attached by ClinVar (database versions not stated): gnomAD 0.00001 and 0.00002; TOPMed 0.00001; gnomAD exomes 0.00002 and 0.00001; ESP Exome Variant Server 0.00008; ExAC 0.00002.
gnomAD v4.1: 8 of 1,398,294 alleles (0.00057%); highest among the groups gnomAD compares: African/African-American, 0.011%; no homozygotes.

Submissions (5):

Labcorp Genetics (formerly Invitae), Labcorp
Classification: Likely benign for Hereditary nonpolyposis colorectal neoplasms. Last evaluated: 2025-12-14. Review status: criteria provided, single submitter. Criteria: Invitae Variant Classification Sherloc (09022015). Collection method: clinical testing. Allele origin: germline.

Myriad Genetics, Inc.
Classification: Likely benign for Lynch syndrome 4. Last evaluated: 2025-01-29. Review status: criteria provided, single submitter. Criteria: Myriad Autosomal Dominant, Autosomal Recessive and X-Linked Classification Criteria (2023). Collection method: clinical testing. Allele origin: unknown.
Comment: This variant is considered likely benign. This variant is intronic and is not expected to impact mRNA splicing.

KCCC/NGS Laboratory, Kuwait Cancer Control Center
Classification: Likely benign for Lynch syndrome 4. Last evaluated: 2023-07-07. Review status: criteria provided, single submitter. Criteria: ACMG Guidelines, 2015. Collection method: clinical testing. Allele origin: germline. Affected: yes.

Quest Diagnostics Nichols Institute San Juan Capistrano
Classification: Likely benign. Last evaluated: 2023-03-16. Review status: criteria provided, single submitter. Criteria: Quest Diagnostics criteria. Collection method: clinical testing. Allele origin: unknown.

Department of Pathology and Laboratory Medicine, Sinai Health System
Classification: Uncertain significance for Malignant tumor of breast. Review status: no assertion criteria provided. Collection method: clinical testing. Allele origin: unknown. Affected: yes. Study: The Canadian Open Genetics Repository (COGR). Not counted in ClinVar's aggregate classification.
Comment: The PMS2 c.988+10A>G variant was not identified in the literature nor was it identified in MutDB, the Zhejiang Colon Cancer Database, Mismatch Repair Genes Variant Database, or the Insight Hereditary Tumors Database. The variant was identified in dbSNP (ID: rs372554253) as â€šÃ„ÃºWith Likely benign alleleâ€šÃ„Ã¹, in ClinVar and Clinvitae (1x as likely benign by Invitae). The variant was identified in control databases in 6 of 276566 chromosomes at a frequency of 0.000022 (Genome Aggregation Database Feb 27, 2017). It was observed in the African population in 6 of 24002 chromosomes (freq: 0.00025); it was not observed in the â€šÃ„ÃºOtherâ€šÃ„Ã¹, Latino, European Non-Finnish, Ashkenazi Jewish, East Asian, European Finnish, and South Asian populations. The variant occurs outside of the splicing consensus sequence and 1 of 5 in silico or computational prediction software programs (SpliceSiteFinder, MaxEntScan, NNSPLICE, GeneSplicer, HumanSpliceFinder) predict a greater than 10% difference in splicing; this is not very predictive of pathogenicity. In summary, based on the above information the clinical significance of this variant cannot be determined with certainty at this time.

NM_000535.7(PMS2):c.988+10A>G

Gene: PMS2 (PMS1 homolog 2, mismatch repair system component; minus strand). Cytogenetic location: 7p22.1.
Variant type: single nucleotide variant.
Coding change: c.988+10A>G on transcript NM_000535.7 (MANE Select); 10 bases into the intron after coding-DNA position 988, A replaced by G.
Molecular consequence: intron variant.
Genome position (GRCh38, 1-based): chr7:5,991,963, T>C on the plus strand (A>G on the coding strand, the complement: PMS2 is on the minus strand). VCF-style: chr7-5991963-T-C. GRCh37 (hg19) VCF-style: chr7-6031594-T-C.
Other names: c.670+10A>G (NM_001322008.2, NM_001322007.2); c.583+10A>G (NM_001322010.2, NM_001322004.2, NM_001322003.2 and 2 more transcripts); c.415+10A>G (NM_001322013.2); c.55+10A>G (NM_001322012.2, NM_001322011.2); c.679+10A>G (NM_001322015.2); c.988+10A>G (NM_001322006.2, NM_001322014.2, NM_000535.6).
Identifiers: ClinVar variation 416565 (VCV000416565.17), dbSNP rs372554253, ClinGen allele CA052722.
Genomic context (GRCh38, chr7:5,991,963, plus strand): 5'-AGCTGTAGAATTTCATTTTATTCTTTGAGGCATTAGTCACTAGTTGTACTGAAATGCCAA[T>C]GGAACTTACCTGAATCAACAGAAATGTTAAGAACAACAAATGGATACTGGTGTCGATTAT-3'